The following is an entry in ClinVar:

ClinVar aggregate classification (germline): Likely benign. Review status: criteria provided, single submitter (1 of 4 stars). 2 submissions from 2 submitters: Likely benign (1). 1 of the submissions does not count toward it. Last evaluated 2019-07-07.

Conditions:
Hereditary cancer-predisposing syndrome. Also called: Hereditary Cancer Syndrome; Hereditary neoplastic syndrome; Tumor predisposition; Neoplastic Syndromes, Hereditary. Identifiers: Orphanet 140162, MedGen C0027672, MeSH D009386, MONDO:0015356.
Familial cancer of breast. Also called: BREAST CANCER, FAMILIAL; hereditary breast carcinoma; Hereditary breast cancer. Identifiers: Orphanet 227535, MedGen C0346153, MONDO:0016419, OMIM 114480. Disease mechanism: loss of function.

Submissions (2):

Ambry Genetics
Classification: Likely benign for Hereditary cancer-predisposing syndrome. Last evaluated: 2019-07-07. Review status: criteria provided, single submitter. Criteria: Ambry Variant Classification Scheme 2023. Collection method: clinical testing. Allele origin: germline.

Leiden Open Variation Database
Classification: Likely benign for Familial cancer of breast. Last evaluated: 2019-05-13. Review status: no assertion criteria provided. Collection method: curation. Allele origin: germline. Affected: yes. Not counted in ClinVar's aggregate classification.
Comment: Curators: Marc Tischkowitz, Arleen D. Auerbach. Submitter to LOVD: Marc Tischkowitz.

Literature cited by the submitters: PubMed 23448497 (cited by Leiden Open Variation Database).

NM_024675.4(PALB2):c.2823C>A (p.Ile941=)

Gene: PALB2 (partner and localizer of BRCA2; minus strand). Cytogenetic location: 16p12.2.
Variant type: single nucleotide variant.
Coding change: c.2823C>A on transcript NM_024675.4 (MANE Select); coding-DNA position 2823, C replaced by A.
Protein change: p.Ile941=; no amino-acid change (isoleucine 941 retained).
Molecular consequence: synonymous variant.
Genome position (GRCh38, 1-based): chr16:23,624,020, G>T on the plus strand (C>A on the coding strand, the complement: PALB2 is on the minus strand). VCF-style: chr16-23624020-G-T. GRCh37 (hg19) VCF-style: chr16-23635341-G-T.
Identifiers: ClinVar variation 126684 (VCV000126684.5), dbSNP rs515726095, ClinGen allele CA269572.